The following is an entry in ClinVar:

NM_000718.4(CACNA1B):c.2912G>A (p.Ser971Asn)

Gene: CACNA1B (calcium voltage-gated channel subunit alpha1 B; plus strand). Cytogenetic location: 9q34.3.
Variant type: single nucleotide variant.
Coding change: c.2912G>A on transcript NM_000718.4 (MANE Select); coding-DNA position 2912, G replaced by A.
Protein change: p.Ser971Asn; replaces serine 971 with asparagine.
Molecular consequence: missense variant.
Genome position (GRCh38, 1-based): chr9:138,023,655, G>A. VCF-style: chr9-138023655-G-A. GRCh37 (hg19) VCF-style: chr9-140918107-G-A.
Other names: c.2912G>A, p.Ser971Asn (NM_001243812.2); short protein forms S971N.
Identifiers: ClinVar variation 2128225 (VCV002128225.4), dbSNP rs2539375476, ClinGen allele CA375810395.

ClinVar aggregate classification (germline): Uncertain significance (1 of 4 stars; one submission).

Submission:

Labcorp Genetics (formerly Invitae), Labcorp
Classification: Uncertain significance. Last evaluated: 2022-04-20. Review status: criteria provided, single submitter. Criteria: Invitae Variant Classification Sherloc (09022015). Collection method: clinical testing. Allele origin: germline.
Comment: In summary, the available evidence is currently insufficient to determine the role of this variant in disease. Therefore, it has been classified as a Variant of Uncertain Significance. Advanced modeling of protein sequence and biophysical properties (such as structural, functional, and spatial information, amino acid conservation, physicochemical variation, residue mobility, and thermodynamic stability) performed at Invitae indicates that this missense variant is not expected to disrupt CACNA1B protein function. This variant has not been reported in the literature in individuals affected with CACNA1B-related conditions. This variant is not present in population databases (gnomAD no frequency). This sequence change replaces serine, which is neutral and polar, with asparagine, which is neutral and polar, at codon 971 of the CACNA1B protein (p.Ser971Asn).